The following is an entry in ClinVar:

ClinVar aggregate classification (germline): Conflicting classifications of pathogenicity. Review status: criteria provided, conflicting classifications (1 of 4 stars). 3 submissions from 3 submitters: Uncertain significance (1); Likely benign (2). Last evaluated 2025-09-03.

Conditions:
Cardiovascular phenotype. Identifiers: MedGen CN230736.
Hereditary cancer-predisposing syndrome. Also called: Hereditary Cancer Syndrome; Hereditary neoplastic syndrome; Neoplastic Syndromes, Hereditary; Tumor predisposition. Identifiers: Orphanet 140162, MedGen C0027672, MeSH D009386, MONDO:0015356.

Allele frequency attached by ClinVar (database versions not stated): TOPMed below 0.00001.
gnomAD v4.1: 9 of 1,613,508 alleles (0.00056%); highest among the groups gnomAD compares: Non-Finnish European, 0.00068%; no homozygotes.

Submissions (3):

Labcorp Genetics (formerly Invitae), Labcorp
Classification: Likely benign. Last evaluated: 2025-09-03. Review status: criteria provided, single submitter. Criteria: Invitae Variant Classification Sherloc (09022015). Collection method: clinical testing. Allele origin: germline.

GeneDx
Classification: Uncertain significance. Last evaluated: 2023-09-14. Review status: criteria provided, single submitter. Criteria: GeneDx Variant Classification Process June 2021. Collection method: clinical testing. Allele origin: germline. Affected: yes.
Comment: Not observed at significant frequency in large population cohorts (gnomAD); In silico analysis supports that this variant does not alter splicing; Has not been previously published as pathogenic or benign to our knowledge

Ambry Genetics
Classification: Likely benign for Cardiovascular phenotype; Hereditary cancer-predisposing syndrome. Last evaluated: 2021-06-24. Review status: criteria provided, single submitter. Criteria: Ambry Variant Classification Scheme 2023. Collection method: clinical testing. Allele origin: germline.

NM_006767.4(LZTR1):c.1314G>A (p.Glu438=)

Gene: LZTR1 (leucine zipper like post translational regulator 1; plus strand). Cytogenetic location: 22q11.21.
Variant type: single nucleotide variant.
Coding change: c.1314G>A on transcript NM_006767.4 (MANE Select); coding-DNA position 1314, G replaced by A.
Protein change: p.Glu438=; no amino-acid change (glutamic acid 438 retained).
Molecular consequence: synonymous variant.
Genome position (GRCh38, 1-based): chr22:20,993,715, G>A. VCF-style: chr22-20993715-G-A. GRCh37 (hg19) VCF-style: chr22-21348004-G-A.
Identifiers: ClinVar variation 1769744 (VCV001769744.10), dbSNP rs1337017523, ClinGen allele CA513458710.